The following is an entry in ClinVar:

NM_177438.3(DICER1):c.2921C>T (p.Thr974Ile)

Gene: DICER1 (dicer 1, ribonuclease III; minus strand). Cytogenetic location: 14q32.13.
Variant type: single nucleotide variant.
Coding change: c.2921C>T on transcript NM_177438.3 (MANE Select); coding-DNA position 2921, C replaced by T.
Protein change: p.Thr974Ile; replaces threonine 974 with isoleucine.
Molecular consequence: missense variant.
Genome position (GRCh38, 1-based): chr14:95,106,107, G>A on the plus strand (C>T on the coding strand, the complement: DICER1 is on the minus strand). VCF-style: chr14-95106107-G-A. GRCh37 (hg19) VCF-style: chr14-95572444-G-A.
Other names: c.2921C>T (NM_177438.2); c.2921C>T, p.Thr974Ile (NM_001195573.1, NM_001271282.3, NM_001291628.2 and 1 more transcripts); short protein forms T974I.
Identifiers: ClinVar variation 1412796 (VCV001412796.10), dbSNP rs2139999361, ClinGen allele CA390878944.
Genomic context (GRCh38, chr14:95,106,107, plus strand): 5'-GATGTGTGGTCCACATCCAGCAGTGGCTGGTTGAGATTGGTTAGGTCAAGGTTGTACTTT[G>A]TTTTATAATATTCTGCAAAAGTTTCATACTCAGGGGAAGGAAATTTACTGAGTGGGGTAA-3'
Protein context (NP_803187.1, residues 964-984): EYETFAEYYK[Thr974Ile]KYNLDLTNLN

ClinVar aggregate classification (germline): Uncertain significance. Review status: criteria provided, multiple submitters, no conflicts (2 of 4 stars). 2 submissions from 2 submitters: Uncertain significance (2). Last evaluated 2023-02-08.

Conditions:
DICER1-related tumor predisposition. Also called: DICER1-related pleuropulmonary blastoma cancer predisposition syndrome; DICER1 syndrome. Identifiers: Orphanet 284343, MedGen C3839822, MONDO:0100216.
Hereditary cancer-predisposing syndrome. Also called: Hereditary neoplastic syndrome; Neoplastic Syndromes, Hereditary; Hereditary Cancer Syndrome; Tumor predisposition. Identifiers: Orphanet 140162, MedGen C0027672, MeSH D009386, MONDO:0015356.

Submissions (2):

Ambry Genetics
Classification: Uncertain significance for Hereditary cancer-predisposing syndrome. Last evaluated: 2023-02-08. Review status: criteria provided, single submitter. Criteria: Ambry Variant Classification Scheme 2023. Collection method: clinical testing. Allele origin: germline.
Comment: The p.T974I variant (also known as c.2921C>T), located in coding exon 17 of the DICER1 gene, results from a C to T substitution at nucleotide position 2921. The threonine at codon 974 is replaced by isoleucine, an amino acid with similar properties. This amino acid position is conserved. In addition, the in silico prediction for this alteration is inconclusive. Since supporting evidence is limited at this time, the clinical significance of this alteration remains unclear.

Labcorp Genetics (formerly Invitae), Labcorp
Classification: Uncertain significance for DICER1-related tumor predisposition. Last evaluated: 2022-07-18. Review status: criteria provided, single submitter. Criteria: Invitae Variant Classification Sherloc (09022015). Collection method: clinical testing. Allele origin: germline.
Comment: This sequence change replaces threonine, which is neutral and polar, with isoleucine, which is neutral and non-polar, at codon 974 of the DICER1 protein (p.Thr974Ile). This variant is not present in population databases (gnomAD no frequency). In summary, the available evidence is currently insufficient to determine the role of this variant in disease. Therefore, it has been classified as a Variant of Uncertain Significance. Algorithms developed to predict the effect of missense changes on protein structure and function are either unavailable or do not agree on the potential impact of this missense change (SIFT: "Tolerated"; PolyPhen-2: "Probably Damaging"; Align-GVGD: "Class C0"). ClinVar contains an entry for this variant (Variation ID: 1412796). This variant has not been reported in the literature in individuals affected with DICER1-related conditions.